The following is an entry in ClinVar:

ClinVar aggregate classification (germline): Uncertain significance. Review status: criteria provided, multiple submitters, no conflicts (2 of 4 stars). 2 submissions from 2 submitters: Uncertain significance (2). Last evaluated 2025-05-19.

Conditions:
Cholestanol storage disease (CTX). Also called: CEREBRAL CHOLESTERINOSIS; CTX: Cerebrotendinous xanthomatosis; Cerebrotendinous Xanthomatosis. Identifiers: Orphanet 909, MedGen C0238052, MONDO:0008948, OMIM 213700.
CYP27A1-related disorder. Also called: CYP27A1-related condition.

Allele frequency attached by ClinVar (database versions not stated): gnomAD exomes below 0.00001; gnomAD 0.00001; TOPMed 0.00003.
gnomAD v4.1: 3 of 1,614,136 alleles (0.00019%); highest among the groups gnomAD compares: African/African-American, 0.004%; no homozygotes.

Submissions (2):

PreventionGenetics, part of Exact Sciences
Classification: Uncertain significance for CYP27A1-related condition. Last evaluated: 2025-05-19. Review status: criteria provided, single submitter. Criteria: ACMG Guidelines, 2015. Collection method: clinical testing. Allele origin: germline.
Comment: The CYP27A1 c.794T>C variant is predicted to result in the amino acid substitution p.Leu265Pro. To our knowledge, this variant has not been reported in the literature or in a large population database (gnomAD), indicating this variant is rare. At this time, the clinical significance of this variant is uncertain due to the absence of conclusive functional and genetic evidence.

Labcorp Genetics (formerly Invitae), Labcorp
Classification: Uncertain significance for Cholestanol storage disease. Last evaluated: 2024-10-23. Review status: criteria provided, single submitter. Criteria: Invitae Variant Classification Sherloc (09022015). Collection method: clinical testing. Allele origin: germline.
Comment: This sequence change replaces leucine, which is neutral and non-polar, with proline, which is neutral and non-polar, at codon 265 of the CYP27A1 protein (p.Leu265Pro). This variant is not present in population databases (gnomAD no frequency). This variant has not been reported in the literature in individuals affected with CYP27A1-related conditions. ClinVar contains an entry for this variant (Variation ID: 2138692). Invitae Evidence Modeling of protein sequence and biophysical properties (such as structural, functional, and spatial information, amino acid conservation, physicochemical variation, residue mobility, and thermodynamic stability) indicates that this missense variant is expected to disrupt CYP27A1 protein function with a positive predictive value of 95%. In summary, the available evidence is currently insufficient to determine the role of this variant in disease. Therefore, it has been classified as a Variant of Uncertain Significance.

NM_000784.4(CYP27A1):c.794T>C (p.Leu265Pro)

Gene: CYP27A1 (cytochrome P450 family 27 subfamily A member 1; plus strand). Cytogenetic location: 2q35.
Variant type: single nucleotide variant.
Coding change: c.794T>C on transcript NM_000784.4 (MANE Select); coding-DNA position 794, T replaced by C.
Protein change: p.Leu265Pro; replaces leucine 265 with proline.
Molecular consequence: missense variant.
Genome position (GRCh38, 1-based): chr2:218,812,699, T>C. VCF-style: chr2-218812699-T-C. GRCh37 (hg19) VCF-style: chr2-219677422-T-C.
Other names: c.794T>C (NM_000784.3); short protein forms L265P.
Identifiers: ClinVar variation 2138692 (VCV002138692.4), dbSNP rs1307072775, ClinGen allele CA350587241.